The following is an entry in ClinVar:

NM_003937.3(KYNU):c.468T>A (p.Tyr156Ter)

Gene: KYNU (kynureninase; plus strand). Cytogenetic location: 2q22.2.
Variant type: single nucleotide variant.
Coding change: c.468T>A on transcript NM_003937.3 (MANE Select); coding-DNA position 468, T replaced by A.
Protein change: p.Tyr156Ter; replaces tyrosine 156 with a stop codon.
Molecular consequence: nonsense.
Genome position (GRCh38, 1-based): chr2:142,956,235, T>A. VCF-style: chr2-142956235-T-A. GRCh37 (hg19) VCF-style: chr2-143713804-T-A.
Other names: c.468T>A, p.Tyr156Ter (NM_001032998.2, NM_001199241.2); short protein forms Y156*.
Identifiers: ClinVar variation 403730 (VCV000403730.14), dbSNP rs758865880, ClinGen allele CA1896711.

ClinVar aggregate classification (germline): Pathogenic. Review status: criteria provided, multiple submitters, no conflicts (2 of 4 stars). 6 submissions from 6 submitters: Pathogenic (5). 1 of the submissions does not count toward it. Last evaluated 2026-03-04.

Conditions:
Congenital NAD deficiency disorder. Identifiers: MedGen CN241975.
Vertebral, cardiac, renal, and limb defects syndrome 2. Also called: KYNURENINASE DEFICIENCY, COMPLETE; CONGENITAL NAD DEFICIENCY DISORDER 2. Identifiers: MedGen C4540014, MONDO:0060555, OMIM 617661.
KYNU-related disorder. Also called: KYNU-related disorders; KYNU-related condition.

Allele frequency attached by ClinVar (database versions not stated): TOPMed 0.00005; gnomAD 0.00005; gnomAD exomes 0.00005 and 0.00007; ExAC 0.00014.
gnomAD v4.1: 92 of 1,604,298 alleles (0.0057%); highest among the groups gnomAD compares: Non-Finnish European, 0.0066%; no homozygotes.

Submissions (6):

Dasa
Classification: Pathogenic. Last evaluated: 2026-03-04. Review status: criteria provided, single submitter. Criteria: DASA Assertion Criteria. Collection method: clinical testing. Allele origin: germline.
Comment: NM_003937.3(KYNU):c.468T>A (p.Tyr156Ter) introduces a premature termination codon predicted to result in loss of normal protein function. Loss-of-function is an established mechanism of disease for this gene. This variant has been observed in affected individuals with related phenotype in a genotype context consistent with recessive disease (PMID: 28792876). This variant has been reported in individuals with related phenotype (PMID: 28792876). The variant is present at low frequency in population datasets. Based on the available data, this variant is classified as pathogenic.

GeneDx
Classification: Pathogenic. Last evaluated: 2025-11-03. Review status: criteria provided, single submitter. Criteria: GeneDx Variant Classification Process June 2021. Collection method: clinical testing. Allele origin: germline. Affected: yes.
Comment: Published functional studies demonstrate a damaging effect (PMID: 28792876); Nonsense variant predicted to result in protein truncation or nonsense mediated decay in a gene for which loss of function is a known mechanism of disease; This variant is associated with the following publications: (PMID: 24463508, 31589614, 34200361, 38698835, 28792876)

PreventionGenetics, part of Exact Sciences
Classification: Pathogenic for KYNU-related condition. Last evaluated: 2024-12-18. Review status: criteria provided, single submitter. Criteria: ACMG Guidelines, 2015. Collection method: clinical testing. Allele origin: germline.
Comment: The KYNU c.468T>A variant is predicted to result in premature protein termination (p.Tyr156*). This variant was reported in the compound heterozygous state with a second KYNU frameshift variant in a patient with vertebral, cardiac, renal, and limb defects syndrome-2 (See Family D in Shi et al. 2017. PubMed ID: 28792876). This variant is reported in 0.014% of alleles in individuals of European (non-Finnish) descent in gnomAD. Nonsense variants in KYNU are expected to be pathogenic. This variant is interpreted as pathogenic.

Department of Pathology and Laboratory Medicine, Sinai Health System
Classification: Pathogenic for Vertebral, cardiac, renal, and limb defects syndrome 2. Last evaluated: 2023-05-03. Review status: criteria provided, single submitter. Criteria: ACMG Guidelines, 2015. Collection method: research. Allele origin: germline.

Embryology Laboratory, Victor Chang Cardiac Research Institute
Classification: Pathogenic for Congenital NAD deficiency disorder. Last evaluated: 2016-12-23. Review status: criteria provided, single submitter. Criteria: ACMG Guidelines, 2015. Collection method: research. Allele origin: germline. Inheritance: Autosomal recessive inheritance. Affected: yes. Observed: 1 variant allele, 1 compound heterozygote. Functional consequence: loss_of_function_variant, effect on catalytic protein function.
Comment: This variant was discovered in a North American family. This variant is a protein truncating variant and extremely rare (ExAC MAF 0.0001419). Enzyme assay confirmed that the protein product of this gene variant has lost enzyme activity. Mouse embryos homozygous null for Kynu presented similar phenotype as observed in the patient, and also showed reduced concentration of NAD in the embryonic tissue.

OMIM
Classification: Pathogenic for VERTEBRAL, CARDIAC, RENAL, AND LIMB DEFECTS SYNDROME 2. Last evaluated: 2024-03-06. Review status: no assertion criteria provided. Collection method: literature only. Allele origin: germline. Not counted in ClinVar's aggregate classification.

Literature cited by the submitters: PubMed 28792876 (cited by 3 submitters).